The following is an entry in ClinVar:

NM_172107.4(KCNQ2):c.1187A>G (p.Asn396Ser)

Gene: KCNQ2 (potassium voltage-gated channel subfamily Q member 2; minus strand). Cytogenetic location: 20q13.33.
Variant type: single nucleotide variant.
Coding change: c.1187A>G on transcript NM_172107.4 (MANE Select); coding-DNA position 1187, A replaced by G.
Protein change: p.Asn396Ser; replaces asparagine 396 with serine.
Molecular consequence: missense variant.
Genome position (GRCh38, 1-based): chr20:63,428,397, T>C on the plus strand (A>G on the coding strand, the complement: KCNQ2 is on the minus strand). VCF-style: chr20-63428397-T-C. GRCh37 (hg19) VCF-style: chr20-62059750-T-C.
Other names: c.1187A>G, p.Asn396Ser (NM_001382235.1, NM_172106.3, NM_172108.5); c.1157A>G, p.Asn386Ser (NM_004518.6); short protein forms N396S, N386S.
Identifiers: ClinVar variation 1962095 (VCV001962095.5), dbSNP rs1190299058, ClinGen allele CA409649896.
Genomic context (GRCh38, chr20:63,428,397, plus strand): 5'-ACCCGCCCCACCTGGAGCTCCCCAGCTGACCTGAAAGCGAGTCCAGATTTACTCTTGAGG[T>C]TCCTCAGCAGCTCCAGCTGGTTCAGCGGGGGGATAAGTCTGGGGCAAGAGAAGGAGAGGG-3'
Protein context (NP_742105.1, residues 386-406): PPLNQLELLR[Asn396Ser]LKSKSGLAFR

ClinVar aggregate classification (germline): Uncertain significance (1 of 4 stars; one submission).

Conditions:
Early-infantile DEE. Also called: Ohtahara syndrome; Early infantile epileptic encephalopathy with suppression bursts; Early infantile epileptic encephalopathy. Identifiers: Orphanet 1934, MedGen C0393706, MONDO:0800491.

Allele frequency attached by ClinVar (database versions not stated): gnomAD 0.00002; gnomAD exomes below 0.00001; TOPMed 0.00002.
gnomAD v4.1: 8 of 1,585,184 alleles (0.0005%); highest among the groups gnomAD compares: Non-Finnish European, 0.00069%; no homozygotes.

Submission:

Labcorp Genetics (formerly Invitae), Labcorp
Classification: Uncertain significance for Early-infantile DEE. Last evaluated: 2022-02-22. Review status: criteria provided, single submitter. Criteria: Invitae Variant Classification Sherloc (09022015). Collection method: clinical testing. Allele origin: germline.
Comment: This sequence change replaces asparagine, which is neutral and polar, with serine, which is neutral and polar, at codon 396 of the KCNQ2 protein (p.Asn396Ser). In summary, the available evidence is currently insufficient to determine the role of this variant in disease. Therefore, it has been classified as a Variant of Uncertain Significance. Advanced modeling of protein sequence and biophysical properties (such as structural, functional, and spatial information, amino acid conservation, physicochemical variation, residue mobility, and thermodynamic stability) performed at Invitae indicates that this missense variant is not expected to disrupt KCNQ2 protein function. This variant has not been reported in the literature in individuals affected with KCNQ2-related conditions. This variant is not present in population databases (gnomAD no frequency).